The following is an entry in ClinVar:

ClinVar aggregate classification (germline): Uncertain significance. Review status: criteria provided, multiple submitters, no conflicts (2 of 4 stars). 2 submissions from 2 submitters: Uncertain significance (2). Last evaluated 2024-12-15.

Conditions:
Familial hypokalemia-hypomagnesemia (GTLMNS). Also called: HYPOMAGNESEMIA-HYPOKALEMIA, PRIMARY RENOTUBULAR, WITH HYPOCALCIURIA; POTASSIUM AND MAGNESIUM DEPLETION; gitelman syndrome. Identifiers: Orphanet 358, MedGen C0268450, MONDO:0009904, OMIM 263800.

Allele frequency attached by ClinVar (database versions not stated): TOPMed 0.00003; gnomAD 0.00003.
gnomAD v4.1: 89 of 1,611,908 alleles (0.0055%); highest among the groups gnomAD compares: South Asian, 0.018%; no homozygotes.

Submissions (2):

Labcorp Genetics (formerly Invitae), Labcorp
Classification: Uncertain significance. Last evaluated: 2024-12-15. Review status: criteria provided, single submitter. Criteria: Invitae Variant Classification Sherloc (09022015). Collection method: clinical testing. Allele origin: germline.
Comment: This sequence change affects codon 679 of the SLC12A3 mRNA. It is a 'silent' change, meaning that it does not change the encoded amino acid sequence of the SLC12A3 protein. It affects a nucleotide within the consensus splice site. This variant is present in population databases (rs745894714, gnomAD 0.02%). This variant has not been reported in the literature in individuals affected with SLC12A3-related conditions. ClinVar contains an entry for this variant (Variation ID: 2069875). Algorithms developed to predict the effect of sequence changes on RNA splicing suggest that this variant is not likely to affect RNA splicing. In summary, the available evidence is currently insufficient to determine the role of this variant in disease. Therefore, it has been classified as a Variant of Uncertain Significance.

Fulgent Genetics
Classification: Uncertain significance for Familial hypokalemia-hypomagnesemia. Last evaluated: 2024-02-12. Review status: criteria provided, single submitter. Criteria: ACMG Guidelines, 2015. Collection method: clinical testing. Allele origin: germline.

NM_001126108.2(SLC12A3):c.2037C>T (p.Ile679=)

Gene: SLC12A3 (solute carrier family 12 member 3; plus strand). Cytogenetic location: 16q13.
Variant type: single nucleotide variant.
Coding change: c.2037C>T on transcript NM_001126108.2 (MANE Select); coding-DNA position 2037, C replaced by T.
Protein change: p.Ile679=; no amino-acid change (isoleucine 679 retained).
Molecular consequence: synonymous variant.
Genome position (GRCh38, 1-based): chr16:56,886,475, C>T. VCF-style: chr16-56886475-C-T. GRCh37 (hg19) VCF-style: chr16-56920387-C-T.
Other names: c.2037C>T, p.Ile679= (NM_000339.3); c.2034C>T, p.Ile678= (NM_001126107.2, NM_001410896.1).
Identifiers: ClinVar variation 2069875 (VCV002069875.3), dbSNP rs745894714, ClinGen allele CA8069691.
Genomic context (GRCh38, chr16:56,886,475, plus strand): 5'-GGACTTTGTGGGCACCTTCACCCGGAACCTCAGCCTGATGATCTGTGGCCACGTGCTCAT[C>T]GTGAGTGGCCCCTGGAGGGGCACAGGGGACCAGGCATGGTGGCTCATGCCTGTAAACCCA-3'
Protein context (NP_001119580.2, residues 669-689): LSLMICGHVL[Ile679=]GPHKQRMPEL